The following is an entry in ClinVar:

NM_001371623.1(TCOF1):c.2658+13G>T

Gene: TCOF1 (treacle ribosome biogenesis factor 1; plus strand). Cytogenetic location: 5q32.
Variant type: single nucleotide variant.
Coding change: c.2658+13G>T on transcript NM_001371623.1 (MANE Select); 13 bases into the intron after coding-DNA position 2658, G replaced by T.
Molecular consequence: intron variant.
Genome position (GRCh38, 1-based): chr5:150,379,421, G>T. VCF-style: chr5-150379421-G-T. GRCh37 (hg19) VCF-style: chr5-149758984-G-T.
Other names: c.2658+13G>T (NM_001135243.2, NM_001135244.2, NM_001195141.2 and 1 more transcripts); c.2427+13G>T (NM_001135245.2, NM_000356.4).
Identifiers: ClinVar variation 2007605 (VCV002007605.4), dbSNP rs1764535721, ClinGen allele CA2580073881.
Genomic context (GRCh38, chr5:150,379,421, plus strand): 5'-AGTGAGGAGGAGTCAGACAGTGAGGAGGAGGCGGAGACGCTGGCTCAGGTGAGGGGGAGG[G>T]AATGGAGATCATCCCCTACATGGGATGTAACACCTTTGCCACATCCAGCTCCTGTCTTCT-3'

ClinVar aggregate classification (germline): Uncertain significance (1 of 4 stars; one submission).

Conditions:
Treacher Collins syndrome 1 (TCS1). Also called: TCOF1-Related Treacher Collins Syndrome. Identifiers: Orphanet 861, MedGen CN315775, MONDO:0007944, OMIM 154500.

Submission:

Labcorp Genetics (formerly Invitae), Labcorp
Classification: Uncertain significance for Treacher Collins syndrome 1. Last evaluated: 2022-10-05. Review status: criteria provided, single submitter. Criteria: Invitae Variant Classification Sherloc (09022015). Collection method: clinical testing. Allele origin: germline.
Comment: This sequence change falls in intron 16 of the TCOF1 gene. It does not directly change the encoded amino acid sequence of the TCOF1 protein. This variant is not present in population databases (gnomAD no frequency). This variant has not been reported in the literature in individuals affected with TCOF1-related conditions. Algorithms developed to predict the effect of sequence changes on RNA splicing suggest that this variant may create or strengthen a splice site. In summary, the available evidence is currently insufficient to determine the role of this variant in disease. Therefore, it has been classified as a Variant of Uncertain Significance.